The following is an entry in ClinVar:

ClinVar aggregate classification (germline): Uncertain significance (1 of 4 stars; one submission).

gnomAD v4.1: 2 of 1,614,050 alleles (0.00012%); highest among the groups gnomAD compares: Non-Finnish European, 0.00017%; no homozygotes.

Submission:

Labcorp Genetics (formerly Invitae), Labcorp
Classification: Uncertain significance. Last evaluated: 2024-10-22. Review status: criteria provided, single submitter. Criteria: Invitae Variant Classification Sherloc (09022015). Collection method: clinical testing. Allele origin: germline.
Comment: This sequence change replaces glutamic acid, which is acidic and polar, with lysine, which is basic and polar, at codon 292 of the LPIN1 protein (p.Glu292Lys). This variant is not present in population databases (gnomAD no frequency). This variant has not been reported in the literature in individuals affected with LPIN1-related conditions. ClinVar contains an entry for this variant (Variation ID: 1406942). An algorithm developed to predict the effect of missense changes on protein structure and function (PolyPhen-2) suggests that this variant is likely to be tolerated. In summary, the available evidence is currently insufficient to determine the role of this variant in disease. Therefore, it has been classified as a Variant of Uncertain Significance.

NM_001349206.2(LPIN1):c.982G>A (p.Glu328Lys)

Gene: LPIN1 (lipin 1; plus strand). Cytogenetic location: 2p25.1.
Variant type: single nucleotide variant.
Coding change: c.982G>A on transcript NM_001349206.2 (MANE Select); coding-DNA position 982, G replaced by A.
Protein change: p.Glu328Lys; replaces glutamic acid 328 with lysine.
Molecular consequence: missense variant. On other transcripts: non-coding transcript variant (1).
Genome position (GRCh38, 1-based): chr2:11,782,225, G>A. VCF-style: chr2-11782225-G-A. GRCh37 (hg19) VCF-style: chr2-11922351-G-A.
Other names: c.892G>A, p.Glu298Lys (NM_001261427.3); c.1129G>A, p.Glu377Lys (NM_001261428.3); c.874G>A, p.Glu292Lys (NM_001349199.2, NM_001349200.2, NM_001349201.2 and 1 more transcripts); c.979G>A, p.Glu327Lys (NM_001349202.2, NM_001349203.2); c.982G>A, p.Glu328Lys (NM_001349204.2, NM_001349205.2); c.1072G>A, p.Glu358Lys (NM_001349207.2); c.1021G>A, p.Glu341Lys (NM_001349208.2); short protein forms E298K, E327K, E292K, E328K, E341K, E377K, E358K.
Identifiers: ClinVar variation 1406942 (VCV001406942.6), dbSNP rs2148656082, ClinGen allele CA345856107.